The following is an entry in ClinVar:

NM_018451.5(CPAP):c.2873G>A (p.Arg958Gln)

Gene: CPAP (centrosome assembly and centriole elongation protein; minus strand). Cytogenetic location: 13q12.12.
Variant type: single nucleotide variant.
Coding change: c.2873G>A on transcript NM_018451.5 (MANE Select); coding-DNA position 2873, G replaced by A.
Protein change: p.Arg958Gln; replaces arginine 958 with glutamine.
Molecular consequence: missense variant. On other transcripts: non-coding transcript variant (2).
Genome position (GRCh38, 1-based): chr13:24,899,537, C>T on the plus strand (G>A on the coding strand, the complement: CPAP is on the minus strand). VCF-style: chr13-24899537-C-T. GRCh37 (hg19) VCF-style: chr13-25473675-C-T.
Other names: short protein forms R958Q.
Identifiers: ClinVar variation 1412346 (VCV001412346.8), dbSNP rs1452062416, ClinGen allele CA387583052.
Genomic context (GRCh38, chr13:24,899,537, plus strand): 5'-TCAAAAACTTTACGTTCCTTTTGTAGCTTCCTCATCTCCTCCTTTTTAAACTCTTCTATT[C>T]GAGCTAATTCTTTTGCTTTCTGTTGTTCGAAGTCTGCAATTTCTTTCCTAAAATGACCAA-3'
Protein context (NP_060921.3, residues 948-968): FEQQKAKELA[Arg958Gln]IEEFKKEEMR

ClinVar aggregate classification (germline): Uncertain significance (1 of 4 stars; one submission).

Allele frequency attached by ClinVar (database versions not stated): gnomAD 0.00001; gnomAD exomes 0.00001; TOPMed 0.00002.
gnomAD v4.1: 16 of 1,613,742 alleles (0.00099%); highest among the groups gnomAD compares: Admixed American, 0.0017%; no homozygotes.

Submission:

Labcorp Genetics (formerly Invitae), Labcorp
Classification: Uncertain significance. Last evaluated: 2022-11-15. Review status: criteria provided, single submitter. Criteria: Invitae Variant Classification Sherloc (09022015). Collection method: clinical testing. Allele origin: germline.
Comment: Advanced modeling of protein sequence and biophysical properties (such as structural, functional, and spatial information, amino acid conservation, physicochemical variation, residue mobility, and thermodynamic stability) performed at Invitae indicates that this missense variant is not expected to disrupt CENPJ protein function. This sequence change replaces arginine, which is basic and polar, with glutamine, which is neutral and polar, at codon 958 of the CENPJ protein (p.Arg958Gln). This variant is present in population databases (no rsID available, gnomAD 0.004%). ClinVar contains an entry for this variant (Variation ID: 1412346). This variant has not been reported in the literature in individuals affected with CENPJ-related conditions. In summary, the available evidence is currently insufficient to determine the role of this variant in disease. Therefore, it has been classified as a Variant of Uncertain Significance.